The following is an entry in ClinVar:

NM_001367823.1(ARHGEF18):c.1028G>A (p.Arg343Lys)

Gene: ARHGEF18 (Rho/Rac guanine nucleotide exchange factor 18; plus strand). Cytogenetic location: 19p13.2.
Variant type: single nucleotide variant.
Coding change: c.1028G>A on transcript NM_001367823.1 (MANE Select); coding-DNA position 1028, G replaced by A.
Protein change: p.Arg343Lys; replaces arginine 343 with lysine.
Molecular consequence: missense variant. On other transcripts: 5 prime UTR variant (2).
Genome position (GRCh38, 1-based): chr19:7,440,404, G>A. VCF-style: chr19-7440404-G-A. GRCh37 (hg19) VCF-style: chr19-7505290-G-A.
Other names: c.302G>A, p.Arg101Lys (NM_001130955.2); c.-11G>A (NM_001367824.1, NM_015318.4); c.464G>A (NM_001130955.1); short protein forms R101K, R343K.
Identifiers: ClinVar variation 1474628 (VCV001474628.9), dbSNP rs552145889, ClinGen allele CA9136322.

ClinVar aggregate classification (germline): Uncertain significance. Review status: criteria provided, multiple submitters, no conflicts (2 of 4 stars). 2 submissions from 2 submitters: Uncertain significance (2). Last evaluated 2025-06-30.

Conditions:
Inborn genetic diseases. Identifiers: MedGen C0950123, MeSH D030342.

Allele frequency attached by ClinVar (database versions not stated): TOPMed below 0.00001; ExAC 0.00001; gnomAD 0.00001; gnomAD exomes 0.00001 and 0.00002.
gnomAD v4.1: 10 of 1,607,848 alleles (0.00062%); highest among the groups gnomAD compares: Admixed American, 0.0083%; no homozygotes.

Submissions (2):

Ambry Genetics
Classification: Uncertain significance for Inborn genetic diseases. Last evaluated: 2025-06-30. Review status: criteria provided, single submitter. Criteria: Ambry Variant Classification Scheme 2023. Collection method: clinical testing. Allele origin: germline.

Labcorp Genetics (formerly Invitae), Labcorp
Classification: Uncertain significance. Last evaluated: 2022-11-01. Review status: criteria provided, single submitter. Criteria: Invitae Variant Classification Sherloc (09022015). Collection method: clinical testing. Allele origin: germline.
Comment: This variant is present in population databases (rs552145889, gnomAD 0.01%). This variant has not been reported in the literature in individuals affected with ARHGEF18-related conditions. ClinVar contains an entry for this variant (Variation ID: 1474628). Algorithms developed to predict the effect of missense changes on protein structure and function are either unavailable or do not agree on the potential impact of this missense change (SIFT: "Deleterious"; PolyPhen-2: "Benign"; Align-GVGD: "Class C0"). In summary, the available evidence is currently insufficient to determine the role of this variant in disease. Therefore, it has been classified as a Variant of Uncertain Significance. This sequence change replaces arginine, which is basic and polar, with lysine, which is basic and polar, at codon 155 of the ARHGEF18 protein (p.Arg155Lys).